The following is an entry in ClinVar:

ClinVar aggregate classification (germline): Likely benign. Review status: criteria provided, multiple submitters, no conflicts (2 of 4 stars). 2 submissions from 2 submitters: Likely benign (2). Last evaluated 2026-04-06.

Conditions:
SERPINB8-related disorder. Also called: SERPINB8-related condition.

Allele frequency attached by ClinVar (database versions not stated): gnomAD exomes 0.00008 and 0.00021; 1000 Genomes Project 0.00020; ExAC 0.00024; 1000 Genomes Project 30x 0.00031; gnomAD 0.00075 and 0.00084; ESP Exome Variant Server 0.00085; TOPMed 0.00093.

Submissions (2):

PreventionGenetics, part of Exact Sciences
Classification: Likely benign for SERPINB8-related condition. Last evaluated: 2026-04-06. Review status: criteria provided, single submitter. Criteria: ACMG Guidelines, 2015. Collection method: clinical testing. Allele origin: germline.
Comment: This variant is classified as likely benign based on ACMG/AMP sequence variant interpretation guidelines (Richards et al. 2015 PMID: 25741868, with internal and published modifications).

Labcorp Genetics (formerly Invitae), Labcorp
Classification: Likely benign. Last evaluated: 2023-11-07. Review status: criteria provided, single submitter. Criteria: Invitae Variant Classification Sherloc (09022015). Collection method: clinical testing. Allele origin: germline.

NM_002640.4(SERPINB8):c.565G>A (p.Glu189Lys)

Gene: SERPINB8 (serpin family B member 8; plus strand). Cytogenetic location: 18q22.1.
Variant type: single nucleotide variant.
Coding change: c.565G>A on transcript NM_002640.4 (MANE Select); coding-DNA position 565, G replaced by A.
Protein change: p.Glu189Lys; replaces glutamic acid 189 with lysine.
Molecular consequence: missense variant. On other transcripts: non-coding transcript variant (1), intron variant (1).
Genome position (GRCh38, 1-based): chr18:63,983,719, G>A. VCF-style: chr18-63983719-G-A. GRCh37 (hg19) VCF-style: chr18-61650953-G-A.
Other names: c.565G>A, p.Glu189Lys (NM_001031848.2, NM_001348367.2, NM_001348368.2 and 3 more transcripts); c.19G>A, p.Glu7Lys (NM_001276490.2); c.28-1374G>A (NM_001348370.2); c.565G>A (NM_198833.1); short protein forms E189K, E7K.
Identifiers: ClinVar variation 1591231 (VCV001591231.9), dbSNP rs146695124, ClinGen allele CA8990749.